The following is an entry in ClinVar:

ClinVar aggregate classification (germline): Uncertain significance (1 of 4 stars; one submission).

Conditions:
Hereditary cancer-predisposing syndrome. Also called: Tumor predisposition; Hereditary neoplastic syndrome; Hereditary Cancer Syndrome; Neoplastic Syndromes, Hereditary. Identifiers: Orphanet 140162, MedGen C0027672, MeSH D009386, MONDO:0015356.

Allele frequency attached by ClinVar (database versions not stated): gnomAD exomes below 0.00001.
gnomAD v4.1: 3 of 1,614,206 alleles (0.00019%); highest among the groups gnomAD compares: Non-Finnish European, 0.00025%; no homozygotes.

Submission:

Ambry Genetics
Classification: Uncertain significance for Hereditary cancer-predisposing syndrome. Last evaluated: 2024-03-13. Review status: criteria provided, single submitter. Criteria: Ambry Variant Classification Scheme 2023. Collection method: clinical testing. Allele origin: germline.
Comment: The p.C176R variant (also known as c.526T>C), located in coding exon 3 of the XRCC2 gene, results from a T to C substitution at nucleotide position 526. The cysteine at codon 176 is replaced by arginine, an amino acid with highly dissimilar properties. This amino acid position is conserved. In addition, this alteration is predicted to be deleterious by in silico analysis. Based on the available evidence, the clinical significance of this alteration remains unclear.

NM_005431.2(XRCC2):c.526T>C (p.Cys176Arg)

Gene: XRCC2 (X-ray repair cross complementing 2; minus strand). Cytogenetic location: 7q36.1.
Variant type: single nucleotide variant.
Coding change: c.526T>C on transcript NM_005431.2 (MANE Select); coding-DNA position 526, T replaced by C.
Protein change: p.Cys176Arg; replaces cysteine 176 with arginine.
Molecular consequence: missense variant.
Genome position (GRCh38, 1-based): chr7:152,648,959, A>G on the plus strand (T>C on the coding strand, the complement: XRCC2 is on the minus strand). VCF-style: chr7-152648959-A-G. GRCh37 (hg19) VCF-style: chr7-152346044-A-G.
Other names: short protein forms C176R.
Identifiers: ClinVar variation 3224682 (VCV003224682.1), dbSNP rs1311575845, ClinGen allele CA370198503.